The following is an entry in ClinVar:

ClinVar aggregate classification (germline): Uncertain significance. Review status: criteria provided, multiple submitters, no conflicts (2 of 4 stars). 2 submissions from 2 submitters: Uncertain significance (2). Last evaluated 2025-04-04.

Conditions:
Inborn genetic diseases. Identifiers: MedGen C0950123, MeSH D030342.
Methylmalonic acidemia with homocystinuria, type cblJ (MAHCJ). Also called: METHYLMALONIC ACIDURIA AND HOMOCYSTINURIA, cblJ TYPE. Identifiers: Orphanet 369955, MedGen C3553915, MONDO:0013925, OMIM 614857.

Allele frequency attached by ClinVar (database versions not stated): gnomAD exomes below 0.00001; gnomAD 0.00001; TOPMed 0.00001.
gnomAD v4.1: 4 of 1,613,460 alleles (0.00025%); highest among the groups gnomAD compares: African/African-American, 0.0027%; no homozygotes.

Submissions (2):

Ambry Genetics
Classification: Uncertain significance for Inborn genetic diseases. Last evaluated: 2025-04-04. Review status: criteria provided, single submitter. Criteria: Ambry Variant Classification Scheme 2023. Collection method: clinical testing. Allele origin: germline.

Labcorp Genetics (formerly Invitae), Labcorp
Classification: Uncertain significance for Methylmalonic acidemia with homocystinuria, type cblJ. Last evaluated: 2021-01-29. Review status: criteria provided, single submitter. Criteria: Invitae Variant Classification Sherloc (09022015). Collection method: clinical testing. Allele origin: germline.
Comment: In summary, the available evidence is currently insufficient to determine the role of this variant in disease. Therefore, it has been classified as a Variant of Uncertain Significance. Advanced modeling of protein sequence and biophysical properties (such as structural, functional, and spatial information, amino acid conservation, physicochemical variation, residue mobility, and thermodynamic stability) performed at Invitae indicates that this missense variant is expected to disrupt ABCD4 protein function. This variant has not been reported in the literature in individuals with ABCD4-related conditions. This variant is not present in population databases (ExAC no frequency). This sequence change replaces glutamine with arginine at codon 215 of the ABCD4 protein (p.Gln215Arg). The glutamine residue is highly conserved and there is a small physicochemical difference between glutamine and arginine.

NM_005050.4(ABCD4):c.644A>G (p.Gln215Arg)

Gene: ABCD4 (ATP binding cassette subfamily D member 4; minus strand). Cytogenetic location: 14q24.3.
Variant type: single nucleotide variant.
Coding change: c.644A>G on transcript NM_005050.4 (MANE Select); coding-DNA position 644, A replaced by G.
Protein change: p.Gln215Arg; replaces glutamine 215 with arginine.
Molecular consequence: missense variant. On other transcripts: 5 prime UTR variant (9), non-coding transcript variant (10), intron variant (2).
Genome position (GRCh38, 1-based): chr14:74,295,878, T>C on the plus strand (A>G on the coding strand, the complement: ABCD4 is on the minus strand). VCF-style: chr14-74295878-T-C. GRCh37 (hg19) VCF-style: chr14-74762581-T-C.
Other names: c.383A>G, p.Gln128Arg (NM_001353593.2, NM_001353594.2); c.230A>G, p.Gln77Arg (NM_001353595.2, NM_001353596.2, NM_001353597.2); c.167A>G, p.Gln56Arg (NM_001353598.2, NM_001353599.2, NM_001353600.2 and 2 more transcripts); c.-51A>G (NM_001353602.2, NM_001353603.2, NM_001353604.2 and 6 more transcripts); c.644A>G, p.Gln215Arg (NM_020325.3); c.542+455A>G (NM_001353591.2, NM_001353592.2); c.644A>G (NM_005050.3); short protein forms Q215R, Q128R, Q77R, Q56R.
Identifiers: ClinVar variation 1469789 (VCV001469789.9), dbSNP rs1280841182, ClinGen allele CA390376276.